The following is an entry in ClinVar:

NM_024675.4(PALB2):c.2365C>T (p.Leu789=)

Gene: PALB2 (partner and localizer of BRCA2; minus strand). Cytogenetic location: 16p12.2.
Variant type: single nucleotide variant.
Coding change: c.2365C>T on transcript NM_024675.4 (MANE Select); coding-DNA position 2365, C replaced by T.
Protein change: p.Leu789=; no amino-acid change (leucine 789 retained).
Molecular consequence: synonymous variant.
Genome position (GRCh38, 1-based): chr16:23,629,789, G>A on the plus strand (C>T on the coding strand, the complement: PALB2 is on the minus strand). VCF-style: chr16-23629789-G-A. GRCh37 (hg19) VCF-style: chr16-23641110-G-A.
Other names: p.L789L:CTG>TTG.
Identifiers: ClinVar variation 126648 (VCV000126648.36), dbSNP rs145805054, ClinGen allele CA299671.
Genomic context (GRCh38, chr16:23,629,789, plus strand): 5'-TTCCTGGCGGGACAGAGTCACAGTCACAGGTAGGTTGTCCTTGCCTGCCTGACACTTGCA[G>A]GGTGGTATGTGGTTTTGCTGGGCTGCCTGAACTGTCGAATTGTTTAGTATCACTGGCAAG-3'
Protein context (NP_078951.2, residues 779-799): SGSPAKPHTT[Leu789=]QVSGRQGQPT

ClinVar aggregate classification (germline): Benign/Likely benign. Review status: criteria provided, multiple submitters, no conflicts (2 of 4 stars). 18 submissions from 18 submitters: Benign (7); Likely benign (7). 4 of the submissions do not count toward it. Last evaluated 2026-02-02.

Conditions:
Breast and/or ovarian cancer. Identifiers: MedGen CN221562.
Hereditary cancer-predisposing syndrome. Also called: Hereditary neoplastic syndrome; Tumor predisposition; Neoplastic Syndromes, Hereditary; Hereditary Cancer Syndrome. Identifiers: Orphanet 140162, MedGen C0027672, MeSH D009386, MONDO:0015356.
Familial cancer of breast. Also called: hereditary breast carcinoma; Hereditary breast cancer; BREAST CANCER, FAMILIAL. Identifiers: Orphanet 227535, MedGen C0346153, MONDO:0016419, OMIM 114480. Disease mechanism: loss of function.

Allele frequency attached by ClinVar (database versions not stated): TOPMed 0.00105; 1000 Genomes Project 30x 0.00109; 1000 Genomes Project 0.00140; gnomAD exomes 0.00006 and 0.00027; ExAC 0.00035; ESP Exome Variant Server 0.00085; gnomAD 0.00098 and 0.00099.
gnomAD v4.1: 250 of 1,614,200 alleles (0.015%); highest among the groups gnomAD compares: African/African-American, 0.26%; 2 homozygotes.

Submissions (18):

Labcorp Genetics (formerly Invitae), Labcorp
Classification: Benign for Familial cancer of breast. Last evaluated: 2026-02-02. Review status: criteria provided, single submitter. Criteria: Invitae Variant Classification Sherloc (09022015). Collection method: clinical testing. Allele origin: germline.

Center for Genomic Medicine, Rigshospitalet, Copenhagen University Hospital
Classification: Benign. Last evaluated: 2025-03-04. Review status: criteria provided, single submitter. Criteria: ACMG Guidelines, 2015. Collection method: clinical testing. Allele origin: germline.

Myriad Genetics, Inc.
Classification: Benign for Familial cancer of breast. Last evaluated: 2025-01-16. Review status: criteria provided, single submitter. Criteria: Myriad Autosomal Dominant, Autosomal Recessive and X-Linked Classification Criteria (2023). Collection method: clinical testing. Allele origin: unknown.
Comment: This variant is considered benign. This variant is a silent/synonymous amino acid change and it is not expected to impact splicing.

Blueprint Genetics
Classification: Likely benign. Last evaluated: 2024-09-24. Review status: criteria provided, single submitter. Criteria: ACMG Guidelines, 2015. Collection method: clinical testing. Allele origin: germline.

ARUP Laboratories, Molecular Genetics and Genomics, ARUP Laboratories
Classification: Benign. Last evaluated: 2023-09-21. Review status: criteria provided, single submitter. Criteria: ARUP Molecular Germline Variant Investigation Process 2024. Collection method: clinical testing. Allele origin: germline.

Quest Diagnostics Nichols Institute San Juan Capistrano
Classification: Benign. Last evaluated: 2023-08-01. Review status: criteria provided, single submitter. Criteria: Quest Diagnostics criteria. Collection method: clinical testing. Allele origin: unknown.

Sema4
Classification: Likely benign for Hereditary cancer-predisposing syndrome. Last evaluated: 2021-07-23. Review status: criteria provided, single submitter. Criteria: Sema4 Curation Guidelines. Collection method: curation. Allele origin: germline.

CHEO Genetics Diagnostic Laboratory, Children's Hospital of Eastern Ontario
Classification: Likely benign for Breast and/or ovarian cancer. Last evaluated: 2020-04-22. Review status: criteria provided, single submitter. Criteria: ACMG Guidelines, 2015. Collection method: clinical testing. Allele origin: germline.

Genetic Services Laboratory, University of Chicago
Classification: Likely benign. Last evaluated: 2018-04-18. Review status: criteria provided, single submitter. Criteria: ACMG Guidelines, 2015. Collection method: clinical testing. Allele origin: germline. Affected: no.

Eurofins Ntd Llc (ga)
Classification: Likely benign. Last evaluated: 2018-03-21. Review status: criteria provided, single submitter. Criteria: EGL ClinVar v180209 classification definitions. Collection method: clinical testing. Allele origin: germline. Observed: 1 variant allele, 1 heterozygote.

Women's Health and Genetics/Laboratory Corporation of America, LabCorp
Classification: Benign. Last evaluated: 2016-09-16. Review status: criteria provided, single submitter. Criteria: LabCorp Variant Classification Summary - May 2015. Collection method: clinical testing. Allele origin: germline.
Comment: Variant summary: The PALB2 c.2365C>T (p.Leu789Leu) variant involves the alteration of a non-conserved nucleotide, resulting in a synonymous change. Mutation taster predicts a benign outcome for this variant. 5/5 splice prediction tools predict no significant impact on normal splicing. This variant was found in 42/121310 control chromosomes, predominantly observed in the African subpopulation at a frequency of 0.0036538 (38/10400). This frequency is about 23 times the estimated maximal expected allele frequency of a pathogenic PALB2 variant (0.0001563), suggesting this is likely a benign polymorphism found primarily in the populations of African origin. In addition, multiple clinical diagnostic laboratories/reputable databases classified this variant as benign/likely benign. Taken together, this variant is classified as Benign.

Color Diagnostics, LLC DBA Color Health
Classification: Likely benign for Hereditary cancer-predisposing syndrome. Last evaluated: 2015-12-10. Review status: criteria provided, single submitter. Criteria: ACMG Guidelines, 2015. Collection method: clinical testing. Allele origin: germline.

Ambry Genetics
Classification: Likely benign for Hereditary cancer-predisposing syndrome. Last evaluated: 2014-12-24. Review status: criteria provided, single submitter. Criteria: Ambry Variant Classification Scheme 2023. Collection method: clinical testing. Allele origin: germline.

GeneDx
Classification: Benign. Last evaluated: 2014-06-10. Review status: criteria provided, single submitter. Criteria: GeneDx Variant Classification (06012015). Collection method: clinical testing. Allele origin: germline. Affected: yes.
Comment: This variant is considered likely benign or benign based on one or more of the following criteria: it is a conservative change, it occurs at a poorly conserved position in the protein, it is predicted to be benign by multiple in silico algorithms, and/or has population frequency not consistent with disease.

Leiden Open Variation Database
Classification: Likely benign for Familial cancer of breast. Last evaluated: 2019-05-13. Review status: no assertion criteria provided. Collection method: curation. Allele origin: germline. Affected: yes. Not counted in ClinVar's aggregate classification.
Comment: Curators: Marc Tischkowitz, Arleen D. Auerbach. Submitter to LOVD: Marc Tischkowitz.

Clinical Genetics Laboratory, Department of Pathology, Netherlands Cancer Institute
Classification: Likely benign. Review status: no assertion criteria provided. Collection method: clinical testing. Allele origin: germline. Affected: yes. Study: VKGL Data-share Consensus. Not counted in ClinVar's aggregate classification.

Genome Diagnostics Laboratory, Amsterdam University Medical Center
Classification: Likely benign. Review status: no assertion criteria provided. Collection method: clinical testing. Allele origin: germline. Affected: yes. Study: VKGL Data-share Consensus. Not counted in ClinVar's aggregate classification.

Laboratory of Diagnostic Genome Analysis, Leiden University Medical Center (LUMC)
Classification: Likely benign. Review status: no assertion criteria provided. Collection method: clinical testing. Allele origin: germline. Affected: yes. Study: VKGL Data-share Consensus. Not counted in ClinVar's aggregate classification.

Literature cited by the submitters: PubMed 21932393 (cited by 3 submitters).